The following is an entry in ClinVar:

ClinVar aggregate classification (germline): Uncertain significance (1 of 4 stars; one submission).

Conditions:
Cystinuria (CSNU). Also called: CYSTINURIA, TYPE I; CYSTINURIA, TYPE II; CYSTINURIA, TYPE III; Cystinuria, non-type I. Identifiers: Orphanet 214, MedGen C0010691, MONDO:0009067, OMIM 220100, HP:0003131.

Allele frequency attached by ClinVar (database versions not stated): gnomAD 0.00003; TOPMed 0.00003.
gnomAD v4.1: 34 of 1,613,904 alleles (0.0021%); highest among the groups gnomAD compares: African/African-American, 0.0027%; no homozygotes.

Submission:

Labcorp Genetics (formerly Invitae), Labcorp
Classification: Uncertain significance for Cystinuria. Last evaluated: 2023-06-03. Review status: criteria provided, single submitter. Criteria: Invitae Variant Classification Sherloc (09022015). Collection method: clinical testing. Allele origin: germline.
Comment: In summary, the available evidence is currently insufficient to determine the role of this variant in disease. Therefore, it has been classified as a Variant of Uncertain Significance. Advanced modeling of protein sequence and biophysical properties (such as structural, functional, and spatial information, amino acid conservation, physicochemical variation, residue mobility, and thermodynamic stability) has been performed at Invitae for this missense variant, however the output from this modeling did not meet the statistical confidence thresholds required to predict the impact of this variant on SLC3A1 protein function. This variant has not been reported in the literature in individuals affected with SLC3A1-related conditions. This variant is present in population databases (rs200248046, gnomAD 0.002%). This sequence change replaces glycine, which is neutral and non-polar, with arginine, which is basic and polar, at codon 307 of the SLC3A1 protein (p.Gly307Arg).

NM_000341.4(SLC3A1):c.919G>C (p.Gly307Arg)

Gene: SLC3A1 (solute carrier family 3 member 1; plus strand). Cytogenetic location: 2p21.
Variant type: single nucleotide variant.
Coding change: c.919G>C on transcript NM_000341.4 (MANE Select); coding-DNA position 919, G replaced by C.
Protein change: p.Gly307Arg; replaces glycine 307 with arginine.
Molecular consequence: missense variant.
Genome position (GRCh38, 1-based): chr2:44,299,998, G>C. VCF-style: chr2-44299998-G-C. GRCh37 (hg19) VCF-style: chr2-44527137-G-C.
Other names: short protein forms G307R.
Identifiers: ClinVar variation 2721063 (VCV002721063.3), dbSNP rs200248046, ClinGen allele CA1640335.
Genomic context (GRCh38, chr2:44,299,998, plus strand): 5'-ATGTAACCAAGCATTTTGCTTCTTCATCTTTAGGAAATTTTACGGTTCTGGCTCACAAAG[G>C]GTGTTGATGGTTTTAGTTTGGATGCTGTTAAATTCCTCCTAGAAGCAAAGCACCTGAGAG-3'
Protein context (NP_000332.2, residues 297-317): KEILRFWLTK[Gly307Arg]VDGFSLDAVK